The following is an entry in ClinVar:

NM_000143.4(FH):c.933del (p.Lys311fs)

Gene: FH (fumarate hydratase; minus strand). Cytogenetic location: 1q43.
Variant type: Deletion.
Coding change: c.933del on transcript NM_000143.4 (MANE Select); coding-DNA position 933, one base deleted (A; older notation c.933delA).
Protein change: p.Lys311fs; shifts the reading frame from lysine 311.
Molecular consequence: frameshift variant.
Genome position (GRCh38, 1-based): chr1:241,504,217, T deleted on the plus strand (A on the coding strand, the reverse complement: FH is on the minus strand); the first of 3 consecutive T bases (chr1:241,504,217-241,504,219); deleting any one gives the same sequence. VCF-style (leftmost placement, unchanged base first): chr1-241504216-AT-A. GRCh37 (hg19) VCF-style: chr1-241667516-AT-A.
Other names: short protein forms K311fs.
Identifiers: ClinVar variation 1452994 (VCV001452994.6), dbSNP rs2147916327, ClinGen allele CA2573132926.

ClinVar aggregate classification (germline): Pathogenic (1 of 4 stars; one submission).

Submission:

Labcorp Genetics (formerly Invitae), Labcorp
Classification: Pathogenic. Last evaluated: 2022-11-23. Review status: criteria provided, single submitter. Criteria: Invitae Variant Classification Sherloc (09022015). Collection method: clinical testing. Allele origin: germline.
Comment: This variant has not been reported in the literature in individuals affected with FH-related conditions. This sequence change creates a premature translational stop signal (p.Lys311Asnfs*18) in the FH gene. It is expected to result in an absent or disrupted protein product. Loss-of-function variants in FH are known to be pathogenic (PMID: 11865300, 21398687). This variant is not present in population databases (gnomAD no frequency). ClinVar contains an entry for this variant (Variation ID: 1452994). For these reasons, this variant has been classified as Pathogenic.

Literature cited by the submitters: PubMed 11865300; PubMed 21398687.